The following is an entry in ClinVar:

NM_144997.7(FLCN):c.473T>C (p.Ile158Thr)

Gene: FLCN (folliculin; minus strand). Cytogenetic location: 17p11.2.
Variant type: single nucleotide variant.
Coding change: c.473T>C on transcript NM_144997.7 (MANE Select); coding-DNA position 473, T replaced by C.
Protein change: p.Ile158Thr; replaces isoleucine 158 with threonine.
Molecular consequence: missense variant.
Genome position (GRCh38, 1-based): chr17:17,224,067, A>G on the plus strand (T>C on the coding strand, the complement: FLCN is on the minus strand). VCF-style: chr17-17224067-A-G. GRCh37 (hg19) VCF-style: chr17-17127381-A-G.
Other names: c.527T>C, p.Ile176Thr (NM_001353229.2); c.473T>C, p.Ile158Thr (NM_001353230.2, NM_001353231.2, NM_144606.7); short protein forms I158T, I176T.
Identifiers: ClinVar variation 4257905 (VCV004257905.1).

ClinVar aggregate classification (germline): Uncertain significance (1 of 4 stars; one submission).

Conditions:
Hereditary cancer-predisposing syndrome. Also called: Hereditary Cancer Syndrome; Hereditary neoplastic syndrome; Neoplastic Syndromes, Hereditary; Tumor predisposition. Identifiers: Orphanet 140162, MedGen C0027672, MeSH D009386, MONDO:0015356.

Submission:

Ambry Genetics
Classification: Uncertain significance for Hereditary cancer-predisposing syndrome. Last evaluated: 2025-08-12. Review status: criteria provided, single submitter. Criteria: Ambry Variant Classification Scheme 2023. Collection method: clinical testing. Allele origin: germline.
Comment: The p.I158T variant (also known as c.473T>C), located in coding exon 3 of the FLCN gene, results from a T to C substitution at nucleotide position 473. The isoleucine at codon 158 is replaced by threonine, an amino acid with similar properties. This amino acid position is conserved. In addition, this alteration is predicted to be deleterious by in silico analysis. Based on the available evidence, the clinical significance of this variant remains unclear.